The following is an entry in ClinVar:

ClinVar aggregate classification (germline): Conflicting classifications of pathogenicity. Review status: criteria provided, conflicting classifications (1 of 4 stars). 2 submissions from 2 submitters: Uncertain significance (1); Likely benign (1). Last evaluated 2026-07-06.

Conditions:
Hereditary cancer-predisposing syndrome. Also called: Hereditary Cancer Syndrome; Hereditary neoplastic syndrome; Neoplastic Syndromes, Hereditary; Tumor predisposition. Identifiers: Orphanet 140162, MedGen C0027672, MeSH D009386, MONDO:0015356.

Submissions (2):

Ambry Genetics
Classification: Likely benign for Hereditary cancer-predisposing syndrome. Last evaluated: 2026-07-06. Review status: criteria provided, single submitter. Criteria: Ambry Variant Classification Scheme 2023. Collection method: clinical testing. Allele origin: germline.

GeneDx
Classification: Uncertain significance. Last evaluated: 2025-02-11. Review status: criteria provided, single submitter. Criteria: GeneDx Variant Classification Process June 2021. Collection method: clinical testing. Allele origin: germline. Affected: yes.
Comment: Not observed at significant frequency in large population cohorts (gnomAD); In silico analysis indicates that this missense variant does not alter protein structure/function; Has not been previously published as pathogenic or benign to our knowledge

NM_000264.5(PTCH1):c.4174A>G (p.Asn1392Asp)

Gene: PTCH1 (patched 1; minus strand). Cytogenetic location: 9q22.32.
Variant type: single nucleotide variant.
Coding change: c.4174A>G on transcript NM_000264.5 (MANE Select); coding-DNA position 4174, A replaced by G.
Protein change: p.Asn1392Asp; replaces asparagine 1392 with aspartic acid.
Molecular consequence: missense variant. On other transcripts: non-coding transcript variant (1).
Genome position (GRCh38, 1-based): chr9:95,447,082, T>C on the plus strand (A>G on the coding strand, the complement: PTCH1 is on the minus strand). VCF-style: chr9-95447082-T-C. GRCh37 (hg19) VCF-style: chr9-98209364-T-C.
Other names: c.3976A>G, p.Asn1326Asp (NM_001083602.3); c.4171A>G, p.Asn1391Asp (NM_001083603.3); c.3721A>G, p.Asn1241Asp (NM_001083604.3, NM_001083605.3, NM_001083606.3 and 1 more transcripts); c.4018A>G, p.Asn1340Asp (NM_001354918.2); short protein forms N1241D, N1326D, N1392D, N1391D, N1340D.
Identifiers: ClinVar variation 1738437 (VCV001738437.4), dbSNP rs2136574213, ClinGen allele CA374110183.